The following is an entry in ClinVar:

NM_007294.4(BRCA1):c.3262del (p.Val1088fs)

Genes: BRCA1 (BRCA1 DNA repair associated; minus strand), LOC126862571 (BRD4-independent group 4 enhancer GRCh37_chr17:41243136-41244335; plus strand). Cytogenetic location: 17q21.31.
Variant type: Deletion.
Coding change: c.3262del on transcript NM_007294.4 (MANE Select); coding-DNA position 3262, one base deleted (G; older notation c.3262delG).
Protein change: p.Val1088fs; shifts the reading frame from valine 1088.
Molecular consequence: frameshift variant. On other transcripts: intron variant (137).
Genome position (GRCh38, 1-based): chr17:43,092,269, C deleted on the plus strand (G on the coding strand, the reverse complement: BRCA1 is on the minus strand); the first of 4 consecutive C bases (chr17:43,092,269-43,092,272); deleting any one gives the same sequence. VCF-style (leftmost placement, unchanged base first): chr17-43092268-AC-A. GRCh37 (hg19) VCF-style: chr17-41244285-AC-A.
Other names: 3378delG; c.3262delG (NM_007294.3); c.2881del, p.Val961fs (NM_001407959.1, NM_001407960.1, NM_001407963.1); c.2878del, p.Val960fs (NM_001407962.1); c.3118del, p.Val1040fs (NM_001407964.1, NM_001407740.1, NM_001407741.1 and 20 more transcripts); c.2758del, p.Val920fs (NM_001407965.1); c.2374del, p.Val792fs (NM_001407966.1, NM_001407967.1); c.3121del, p.Val1041fs (NM_007297.4, NM_001407692.1, NM_001407694.1 and 29 more transcripts); and 43 more; short protein forms V1041fs, V1088fs, V1000fs, V1017fs, V1021fs, V1087fs, V976fs, V1018fs.
Identifiers: ClinVar variation 54813 (VCV000054813.15), dbSNP rs397509049, ClinGen allele CA002110.

ClinVar aggregate classification (germline): Pathogenic. Review status: reviewed by expert panel (3 of 4 stars). 4 submissions from 4 submitters: Pathogenic (1). 3 of the submissions do not count toward it. Last evaluated 2016-10-18.

Conditions:
Hereditary breast ovarian cancer syndrome. Also called: Hereditary breast and ovarian cancer syndrome (HBOC); Hereditary breast and ovarian cancer syndrome; Hereditary breast and ovarian cancer; Hereditary breast and/or ovarian cancer syndrome; Breast and ovarian cancer; BRCA1- and BRCA2-Associated Hereditary Breast and Ovarian Cancer. Identifiers: Orphanet 145, MedGen C0677776, MeSH D061325, MONDO:0003582. Disease mechanism: loss of function.
Breast-ovarian cancer, familial, susceptibility to, 1 (BROVCA1). Also called: OVARIAN CANCER, SUSCEPTIBILITY TO; BRCA1 Hereditary Breast and Ovarian Cancer. Identifiers: Orphanet 145, MedGen C2676676, MONDO:0011450, OMIM 604370. Disease mechanism: loss of function.

Submissions (4):

Evidence-based Network for the Interpretation of Germline Mutant Alleles (ENIGMA)
Classification: Pathogenic for Breast-ovarian cancer, familial, susceptibility to, 1. Last evaluated: 2016-10-18. Review status: reviewed by expert panel. Criteria: ENIGMA BRCA1/2 Classification Criteria (2015). Collection method: curation. Allele origin: germline.
Comment: Variant allele predicted to encode a truncated non-functional protein.

Labcorp Genetics (formerly Invitae), Labcorp
Classification: Pathogenic for Hereditary breast ovarian cancer syndrome. Last evaluated: 2018-07-26. Review status: criteria provided, single submitter. Criteria: Invitae Variant Classification Sherloc (09022015). Collection method: clinical testing. Allele origin: germline. Not counted in ClinVar's aggregate classification.
Comment: This sequence change creates a premature translational stop signal (p.Val1088Phefs*21) in the BRCA1 gene. It is expected to result in an absent or disrupted protein product. This variant is not present in population databases (ExAC no frequency). This variant has been observed in an individual affected with breast cancer (PMID: 10682662). This variant is also known as 3378/81delG in the literature. ClinVar contains an entry for this variant (Variation ID: 54813). Loss-of-function variants in BRCA1 are known to be pathogenic (PMID: 20104584). For these reasons, this variant has been classified as Pathogenic.

Consortium of Investigators of Modifiers of BRCA1/2 (CIMBA), c/o University of Cambridge
Classification: Pathogenic for Breast-ovarian cancer, familial, susceptibility to, 1. Last evaluated: 2015-10-02. Review status: criteria provided, single submitter. Criteria: CIMBA Mutation Classification guidelines May 2016. Collection method: clinical testing. Allele origin: germline. Not counted in ClinVar's aggregate classification.

Quest Diagnostics Nichols Institute San Juan Capistrano
Classification: Pathogenic. Last evaluated: 2015-09-19. Review status: criteria provided, single submitter. Criteria: Quest Diagnostics criteria. Collection method: clinical testing. Allele origin: germline. Not counted in ClinVar's aggregate classification.

Literature cited by the submitters: PubMed 10682662 (cited by Labcorp Genetics (formerly Invitae), Labcorp and Quest Diagnostics Nichols Institute San Juan Capistrano); PubMed 20104584 (cited by Labcorp Genetics (formerly Invitae), Labcorp); PubMed 26295337 (cited by Quest Diagnostics Nichols Institute San Juan Capistrano).